The following is an entry in ClinVar:

ClinVar aggregate classification (germline): Uncertain significance (1 of 4 stars; one submission).

Conditions:
Ehlers-Danlos syndrome, musculocontractural type (EDSMC). Also called: Adducted thumb, clubfoot, progressive joint and skin laxity syndrome; ADDUCTED THUMB-CLUBFOOT SYNDROME; ARTHROGRYPOSIS, DISTAL, WITH PECULIAR FACIES AND HYDRONEPHROSIS; DUNDAR SYNDROME. Identifiers: Orphanet 2953, MedGen C1866294, MONDO:0011142.

Allele frequency attached by ClinVar (database versions not stated): gnomAD exomes below 0.00001; TOPMed below 0.00001.

Submission:

Labcorp Genetics (formerly Invitae), Labcorp
Classification: Uncertain significance for Ehlers-Danlos syndrome, musculocontractural type. Last evaluated: 2022-05-07. Review status: criteria provided, single submitter. Criteria: Invitae Variant Classification Sherloc (09022015). Collection method: clinical testing. Allele origin: germline.
Comment: This sequence change replaces methionine, which is neutral and non-polar, with valine, which is neutral and non-polar, at codon 68 of the CHST14 protein (p.Met68Val). This variant is not present in population databases (gnomAD no frequency). This variant has not been reported in the literature in individuals affected with CHST14-related conditions. Algorithms developed to predict the effect of missense changes on protein structure and function output the following: SIFT: "Tolerated"; PolyPhen-2: "Benign"; Align-GVGD: "Class C0". The valine amino acid residue is found in multiple mammalian species, which suggests that this missense change does not adversely affect protein function. In summary, the available evidence is currently insufficient to determine the role of this variant in disease. Therefore, it has been classified as a Variant of Uncertain Significance.

NM_130468.4(CHST14):c.202A>G (p.Met68Val)

Gene: CHST14 (carbohydrate sulfotransferase 14; plus strand). Cytogenetic location: 15q15.1.
Variant type: single nucleotide variant.
Coding change: c.202A>G on transcript NM_130468.4 (MANE Select); coding-DNA position 202, A replaced by G.
Protein change: p.Met68Val; replaces methionine 68 with valine.
Molecular consequence: missense variant.
Genome position (GRCh38, 1-based): chr15:40,471,415, A>G. VCF-style: chr15-40471415-A-G. GRCh37 (hg19) VCF-style: chr15-40763614-A-G.
Other names: short protein forms M68V.
Identifiers: ClinVar variation 1968908 (VCV001968908.4), dbSNP rs1595869235, ClinGen allele CA391764250.